The following is an entry in ClinVar:

ClinVar aggregate classification (germline): Uncertain significance. Review status: criteria provided, multiple submitters, no conflicts (2 of 4 stars). 2 submissions from 2 submitters: Uncertain significance (2). Last evaluated 2024-02-26.

Conditions:
Pyogenic arthritis-pyoderma gangrenosum-acne syndrome (PAPA). Also called: FAMILIAL RECURRENT ARTHRITIS; PAPA SYNDROME. Identifiers: Orphanet 69126, MedGen C1858361, MONDO:0011462, OMIM 604416.

Allele frequency attached by ClinVar (database versions not stated): gnomAD 0.00001; gnomAD exomes 0.00002; TOPMed 0.00002; ESP Exome Variant Server 0.00008.
gnomAD v4.1: 23 of 1,612,326 alleles (0.0014%); highest among the groups gnomAD compares: Non-Finnish European, 0.0019%; no homozygotes.

Submissions (2):

Labcorp Genetics (formerly Invitae), Labcorp
Classification: Uncertain significance for Pyogenic arthritis-pyoderma gangrenosum-acne syndrome. Last evaluated: 2024-02-26. Review status: criteria provided, single submitter. Criteria: Invitae Variant Classification Sherloc (09022015). Collection method: clinical testing. Allele origin: germline.
Comment: This sequence change replaces aspartic acid, which is acidic and polar, with asparagine, which is neutral and polar, at codon 394 of the PSTPIP1 protein (p.Asp394Asn). This variant is present in population databases (rs377006780, gnomAD 0.01%). This variant has not been reported in the literature in individuals affected with PSTPIP1-related conditions. ClinVar contains an entry for this variant (Variation ID: 858764). Advanced modeling of protein sequence and biophysical properties (such as structural, functional, and spatial information, amino acid conservation, physicochemical variation, residue mobility, and thermodynamic stability) performed at Invitae indicates that this missense variant is not expected to disrupt PSTPIP1 protein function with a negative predictive value of 80%. In summary, the available evidence is currently insufficient to determine the role of this variant in disease. Therefore, it has been classified as a Variant of Uncertain Significance.

Blueprint Genetics
Classification: Uncertain significance. Last evaluated: 2022-11-17. Review status: criteria provided, single submitter. Criteria: ACMG Guidelines, 2015. Collection method: clinical testing. Allele origin: germline.

NM_003978.5(PSTPIP1):c.1180G>A (p.Asp394Asn)

Gene: PSTPIP1 (proline-serine-threonine phosphatase interacting protein 1; plus strand). Cytogenetic location: 15q24.3.
Variant type: single nucleotide variant.
Coding change: c.1180G>A on transcript NM_003978.5 (MANE Select); coding-DNA position 1180, G replaced by A.
Protein change: p.Asp394Asn; replaces aspartic acid 394 with asparagine.
Molecular consequence: missense variant. On other transcripts: non-coding transcript variant (1).
Genome position (GRCh38, 1-based): chr15:77,037,105, G>A. VCF-style: chr15-77037105-G-A. GRCh37 (hg19) VCF-style: chr15-77329446-G-A.
Other names: c.1123G>A, p.Asp375Asn (NM_001321135.2); c.1153G>A, p.Asp385Asn (NM_001321136.2); c.1375G>A, p.Asp459Asn (NM_001321137.1); short protein forms D375N, D459N, D394N, D385N.
Identifiers: ClinVar variation 858764 (VCV000858764.10), dbSNP rs377006780, ClinGen allele CA7676218.